The following is an entry in ClinVar:

NM_001330574.2(ZNF711):c.*1260G>A

Gene: ZNF711 (ZFX family zinc finger ZNF711; plus strand). Cytogenetic location: Xq21.1.
Variant type: single nucleotide variant.
Coding change: c.*1260G>A on transcript NM_001330574.2 (MANE Select); 1260 bases downstream of the stop codon, G replaced by A.
Molecular consequence: 3 prime UTR variant.
Genome position (GRCh38, 1-based): chrX:85,273,088, G>A. VCF-style: chrX-85273088-G-A. GRCh37 (hg19) VCF-style: chrX-84528094-G-A.
Other names: c.*1260G>A (NM_021998.5).
Identifiers: ClinVar variation 368757 (VCV000368757.6), dbSNP rs73234669, ClinGen allele CA10646431.

ClinVar aggregate classification (germline): Benign (1 of 4 stars; one submission).

Conditions:
Intellectual developmental disorder, X-linked 97. Also called: Intellectual disability, X-linked 97. Identifiers: Orphanet 777, MedGen C2749020, MONDO:0010430, OMIM 300803.

Allele frequency attached by ClinVar (database versions not stated): 1000 Genomes Project 0.00079; gnomAD 0.00178; 1000 Genomes Project 30x 0.00083; TOPMed 0.00140.

Submission:

Illumina Laboratory Services, Illumina
Classification: Benign for Intellectual developmental disorder, X-linked 97. Last evaluated: 2018-01-12. Review status: criteria provided, single submitter. Criteria: ICSL Variant Classification Criteria 13 December 2019. Collection method: clinical testing. Allele origin: germline.
Comment: This variant was observed in the ICSL laboratory as part of a predisposition screen in an ostensibly healthy population. It had not been previously curated by ICSL or reported in the Human Gene Mutation Database (HGMD: prior to June 1st, 2018), and was therefore a candidate for classification through an automated scoring system. Utilizing variant allele frequency, disease prevalence and penetrance estimates, and inheritance mode, an automated score was calculated to assess if this variant is too frequent to cause the disease. Based on the score and internal cut-off values, a variant classified as benign is not then subjected to further curation. The score for this variant resulted in a classification of benign for this disease.